The following is an entry in ClinVar:

ClinVar aggregate classification (germline): Pathogenic (1 of 4 stars; one submission).

Submission:

ISCA site 17
Classification: Pathogenic. Last evaluated: 2011-08-12. Review status: criteria provided, single submitter. Criteria: Kaminsky et al. (Genet Med. 2011). Collection method: clinical testing. Allele origin: unknown. Affected: yes. Observed: 1 variant allele.
Comment: Copy number variation identified through the course of routine clinical cytogenomic testing in postnatal populations. Clinical assertions have been curated as described in Kaminsky et al. 2011.

GRCh38/hg38 12p12.3(chr12:16019165-17579501)x1

Genes: DERA (deoxyribose-phosphate aldolase; plus strand), LMO3 (LIM domain only 3; minus strand), MGST1 (microsomal glutathione S-transferase 1; plus strand), SLC15A5 (solute carrier family 15 member 5; minus strand), LOC110120854 (VISTA enhancer hs336; plus strand) and 17 more. Cytogenetic location: 12p12.3.
Variant type: copy number loss.
Change: copy number 1 (one copy instead of two) of chr12:16,019,165-17,579,501 (1.56 Mb, GRCh38 coordinates, 1-based), cytogenetic band 12p12.3.
Identifiers: ClinVar variation 58987 (VCV000058987.1).